The following is an entry in ClinVar:

NM_001371928.1(AHDC1):c.2672G>A (p.Arg891Gln)

Gene: AHDC1 (AT-hook DNA binding motif containing 1; minus strand). Cytogenetic location: 1p36.11.
Variant type: single nucleotide variant.
Coding change: c.2672G>A on transcript NM_001371928.1 (MANE Select); coding-DNA position 2672, G replaced by A.
Protein change: p.Arg891Gln; replaces arginine 891 with glutamine.
Molecular consequence: missense variant.
Genome position (GRCh38, 1-based): chr1:27,549,444, C>T on the plus strand (G>A on the coding strand, the complement: AHDC1 is on the minus strand). VCF-style: chr1-27549444-C-T. GRCh37 (hg19) VCF-style: chr1-27875955-C-T.
Other names: c.2672G>A, p.Arg891Gln (NM_001029882.3); short protein forms R891Q.
Identifiers: ClinVar variation 2438938 (VCV002438938.5), dbSNP rs770718017, ClinGen allele CA715722.

ClinVar aggregate classification (germline): Uncertain significance. Review status: criteria provided, multiple submitters, no conflicts (2 of 4 stars). 2 submissions from 2 submitters: Uncertain significance (2). Last evaluated 2024-10-07.

Conditions:
AHDC1-related intellectual disability - obstructive sleep apnea - mild dysmorphism syndrome. Also called: Xia-Gibbs syndrome. Identifiers: Orphanet 412069, MedGen C4014419, MONDO:0014358, OMIM 615829.

Allele frequency attached by ClinVar (database versions not stated): ExAC 0.00002; TOPMed 0.00002; gnomAD 0.00003; gnomAD exomes 0.00003.
gnomAD v4.1: 52 of 1,612,668 alleles (0.0032%); highest among the groups gnomAD compares: Non-Finnish European, 0.0042%; no homozygotes.

Submissions (2):

Labcorp Genetics (formerly Invitae), Labcorp
Classification: Uncertain significance. Last evaluated: 2024-10-07. Review status: criteria provided, single submitter. Criteria: Invitae Variant Classification Sherloc (09022015). Collection method: clinical testing. Allele origin: germline.
Comment: This sequence change replaces arginine, which is basic and polar, with glutamine, which is neutral and polar, at codon 891 of the AHDC1 protein (p.Arg891Gln). This variant is present in population databases (rs770718017, gnomAD 0.005%). This variant has not been reported in the literature in individuals affected with AHDC1-related conditions. ClinVar contains an entry for this variant (Variation ID: 2438938). An algorithm developed to predict the effect of missense changes on protein structure and function (PolyPhen-2) suggests that this variant is likely to be tolerated. In summary, the available evidence is currently insufficient to determine the role of this variant in disease. Therefore, it has been classified as a Variant of Uncertain Significance.

Revvity Omics, Revvity
Classification: Uncertain significance for AHDC1-related intellectual disability - obstructive sleep apnea - mild dysmorphism syndrome. Last evaluated: 2021-06-21. Review status: criteria provided, single submitter. Criteria: ACMG Guidelines, 2015. Collection method: clinical testing. Allele origin: germline.